The following is an entry in ClinVar:

NM_002838.5(PTPRC):c.905G>T (p.Gly302Val)

Gene: PTPRC (protein tyrosine phosphatase receptor type C; plus strand). Cytogenetic location: 1q32.1.
Variant type: single nucleotide variant.
Coding change: c.905G>T on transcript NM_002838.5 (MANE Select); coding-DNA position 905, G replaced by T.
Protein change: p.Gly302Val; replaces glycine 302 with valine.
Molecular consequence: missense variant.
Genome position (GRCh38, 1-based): chr1:198,708,133, G>T. VCF-style: chr1-198708133-G-T. GRCh37 (hg19) VCF-style: chr1-198677262-G-T.
Other names: c.422G>T, p.Gly141Val (NM_080921.4); short protein forms G302V, G141V.
Identifiers: ClinVar variation 1484701 (VCV001484701.7), dbSNP rs1653097095, ClinGen allele CA344034377.

ClinVar aggregate classification (germline): Uncertain significance (1 of 4 stars; one submission).

Conditions:
Immunodeficiency 104. Also called: SCID, AUTOSOMAL RECESSIVE, T CELL-NEGATIVE, B CELL-POSITIVE, NK CELL-POSITIVE; IMMUNODEFICIENCY 104, SEVERE COMBINED; Severe Combined Immune Deficiency, Autosomal Recessive, TCell -Negative, B Cell-Positive, NK Cell-Positive, IL7R-Related; Severe combined immunodeficiency, autosomal recessive, T cell-negative, B cell-positive, NK cell-positive. Identifiers: MedGen C5676890, MONDO:0012163, OMIM 608971.

Allele frequency attached by ClinVar (database versions not stated): TOPMed below 0.00001.

Submission:

Labcorp Genetics (formerly Invitae), Labcorp
Classification: Uncertain significance for Immunodeficiency 104. Last evaluated: 2022-03-10. Review status: criteria provided, single submitter. Criteria: Invitae Variant Classification Sherloc (09022015). Collection method: clinical testing. Allele origin: germline.
Comment: This variant is not present in population databases (gnomAD no frequency). This variant has not been reported in the literature in individuals affected with PTPRC-related conditions. This sequence change replaces glycine, which is neutral and non-polar, with valine, which is neutral and non-polar, at codon 302 of the PTPRC protein (p.Gly302Val). In summary, the available evidence is currently insufficient to determine the role of this variant in disease. Therefore, it has been classified as a Variant of Uncertain Significance. Algorithms developed to predict the effect of sequence changes on RNA splicing suggest that this variant may disrupt the consensus splice site. Algorithms developed to predict the effect of missense changes on protein structure and function (SIFT, PolyPhen-2, Align-GVGD) all suggest that this variant is likely to be tolerated.